The following is an entry in ClinVar:

ClinVar aggregate classification (germline): Likely pathogenic (1 of 4 stars; one submission).

Submission:

ARUP Laboratories, Molecular Genetics and Genomics, ARUP Laboratories
Classification: Likely pathogenic. Last evaluated: 2020-11-18. Review status: criteria provided, single submitter. Criteria: ARUP Molecular Germline Variant Investigation Process 2021. Collection method: clinical testing. Allele origin: germline.
Comment: The MYO6 c.2544_2545delAC; p.Arg849fs variant, to our knowledge, is not reported in the medical literature or gene specific databases. However, a similar truncating variant (p.R849*) at this position has been reported to segregate with autosomal dominant hearing loss in a large family (Sanggaard 2008). The p.Arg849fs variant is absent from general population databases (Exome Variant Server, Genome Aggregation Database), indicating it is not a common polymorphism. This variant causes a frameshift by deleting two nucleotides, so it is predicted to result in a truncated protein or mRNA subject to nonsense-mediated decay. Based on available information, this variant is considered to be likely pathogenic.

NM_004999.4(MYO6):c.2544_2545del (p.Arg849fs)

Gene: MYO6 (myosin VI; plus strand). Cytogenetic location: 6q14.1.
Variant type: Deletion.
Coding change: c.2544_2545del on transcript NM_004999.4 (MANE Select); coding-DNA positions 2544 to 2545, 2 bases deleted (AC; older notation c.2544_2545delAC).
Protein change: p.Arg849fs; shifts the reading frame from arginine 849.
Molecular consequence: frameshift variant. On other transcripts: non-coding transcript variant (1).
Genome position (GRCh38, 1-based): chr6:75,886,880-75,886,881, AC deleted. VCF-style (leftmost placement, unchanged base first): chr6-75886879-AAC-A. GRCh37 (hg19) VCF-style: chr6-76596596-AAC-A.
Other names: c.2544_2545del, p.Arg849fs (NM_001300899.2, NM_001368136.1, NM_001368137.1 and 2 more transcripts); c.2529_2530del, p.Arg844fs (NM_001368138.1); short protein forms R844fs, R849fs.
Identifiers: ClinVar variation 1330877 (VCV001330877.7), dbSNP rs2149358928, ClinGen allele CA2573052745.